The following is an entry in ClinVar:

ClinVar aggregate classification (germline): Uncertain significance (1 of 4 stars; one submission).

Conditions:
Brugada syndrome 8 (BRGDA8). Identifiers: Orphanet 130, MedGen C2751083, MONDO:0013148, OMIM 613123.

Allele frequency attached by ClinVar (database versions not stated): ExAC 0.00001.

Submission:

Labcorp Genetics (formerly Invitae), Labcorp
Classification: Uncertain significance for Brugada syndrome 8. Last evaluated: 2023-11-02. Review status: criteria provided, single submitter. Criteria: Invitae Variant Classification Sherloc (09022015). Collection method: clinical testing. Allele origin: germline.
Comment: This sequence change replaces serine, which is neutral and polar, with proline, which is neutral and non-polar, at codon 854 of the HCN4 protein (p.Ser854Pro). This variant is present in population databases (rs754023918, gnomAD 0.006%). This variant has not been reported in the literature in individuals affected with HCN4-related conditions. ClinVar contains an entry for this variant (Variation ID: 1970402). Advanced modeling of protein sequence and biophysical properties (such as structural, functional, and spatial information, amino acid conservation, physicochemical variation, residue mobility, and thermodynamic stability) performed at Invitae indicates that this missense variant is not expected to disrupt HCN4 protein function with a negative predictive value of 95%. In summary, the available evidence is currently insufficient to determine the role of this variant in disease. Therefore, it has been classified as a Variant of Uncertain Significance.

NM_005477.3(HCN4):c.2560T>C (p.Ser854Pro)

Gene: HCN4 (hyperpolarization activated cyclic nucleotide gated potassium channel 4; minus strand). Cytogenetic location: 15q24.1.
Variant type: single nucleotide variant.
Coding change: c.2560T>C on transcript NM_005477.3 (MANE Select); coding-DNA position 2560, T replaced by C.
Protein change: p.Ser854Pro; replaces serine 854 with proline.
Molecular consequence: missense variant.
Genome position (GRCh38, 1-based): chr15:73,323,533, A>G on the plus strand (T>C on the coding strand, the complement: HCN4 is on the minus strand). VCF-style: chr15-73323533-A-G. GRCh37 (hg19) VCF-style: chr15-73615874-A-G.
Other names: short protein forms S854P.
Identifiers: ClinVar variation 1970402 (VCV001970402.3), dbSNP rs754023918, ClinGen allele CA7649000.